The following is an entry in ClinVar:

NM_004341.5(CAD):c.1825T>C (p.Tyr609His)

Gene: CAD (carbamoyl-phosphate synthetase 2, aspartate transcarbamylase, and dihydroorotase; plus strand). Cytogenetic location: 2p23.3.
Variant type: single nucleotide variant.
Coding change: c.1825T>C on transcript NM_004341.5 (MANE Select); coding-DNA position 1825, T replaced by C.
Protein change: p.Tyr609His; replaces tyrosine 609 with histidine.
Molecular consequence: missense variant.
Genome position (GRCh38, 1-based): chr2:27,225,909, T>C. VCF-style: chr2-27225909-T-C. GRCh37 (hg19) VCF-style: chr2-27448777-T-C.
Other names: c.1825T>C, p.Tyr609His (NM_001306079.2); short protein forms Y609H.
Identifiers: ClinVar variation 1363315 (VCV001363315.4), dbSNP rs1675426140, ClinGen allele CA346206375.

ClinVar aggregate classification (germline): Uncertain significance (1 of 4 stars; one submission).

Allele frequency attached by ClinVar (database versions not stated): gnomAD exomes below 0.00001; TOPMed below 0.00001.
gnomAD v4.1: 6 of 1,614,008 alleles (0.00037%); highest among the groups gnomAD compares: Admixed American, 0.0033%; no homozygotes.

Submission:

Labcorp Genetics (formerly Invitae), Labcorp
Classification: Uncertain significance. Last evaluated: 2024-02-24. Review status: criteria provided, single submitter. Criteria: Invitae Variant Classification Sherloc (09022015). Collection method: clinical testing. Allele origin: germline.
Comment: This sequence change replaces tyrosine, which is neutral and polar, with histidine, which is basic and polar, at codon 609 of the CAD protein (p.Tyr609His). This variant is not present in population databases (gnomAD no frequency). This variant has not been reported in the literature in individuals affected with CAD-related conditions. ClinVar contains an entry for this variant (Variation ID: 1363315). Advanced modeling of protein sequence and biophysical properties (such as structural, functional, and spatial information, amino acid conservation, physicochemical variation, residue mobility, and thermodynamic stability) performed at Invitae indicates that this missense variant is not expected to disrupt CAD protein function with a negative predictive value of 80%. In summary, the available evidence is currently insufficient to determine the role of this variant in disease. Therefore, it has been classified as a Variant of Uncertain Significance.